The following is an entry in ClinVar:

NM_139027.6(ADAMTS13):c.4108G>A (p.Gly1370Arg)

Gene: ADAMTS13 (ADAM metallopeptidase with thrombospondin type 1 motif 13; plus strand). Cytogenetic location: 9q34.2.
Variant type: single nucleotide variant.
Coding change: c.4108G>A on transcript NM_139027.6 (MANE Select); coding-DNA position 4108, G replaced by A.
Protein change: p.Gly1370Arg; replaces glycine 1370 with arginine.
Molecular consequence: missense variant. On other transcripts: non-coding transcript variant (1).
Genome position (GRCh38, 1-based): chr9:133,459,172, G>A. VCF-style: chr9-133459172-G-A. GRCh37 (hg19) VCF-style: chr9-136324294-G-A.
Other names: p.Gly1426Arg; c.4276G>A, p.Gly1426Arg (NM_139025.5); c.4015G>A, p.Gly1339Arg (NM_139026.6); short protein forms G1339R, G1370R, G1426R.
Identifiers: ClinVar variation 3379934 (VCV003379934.1).

ClinVar aggregate classification (germline): Uncertain significance (1 of 4 stars; one submission).

gnomAD v4.1: 5 of 1,608,958 alleles (0.00031%); highest among the groups gnomAD compares: South Asian, 0.0011%; no homozygotes.

Submission:

Mayo Clinic Laboratories, Mayo Clinic
Classification: Uncertain significance. Last evaluated: 2023-07-06. Review status: criteria provided, single submitter. Criteria: ACMG Guidelines, 2015. Collection method: clinical testing. Allele origin: germline. Observed: 1 variant allele.
Comment: BP4, PM2